The following is an entry in ClinVar:

NM_001384950.1(NLRC5):c.*245C>T

Gene: NLRC5 (NLR family CARD domain containing 5; plus strand). Cytogenetic location: 16q13.
Variant type: single nucleotide variant.
Coding change: c.*245C>T on transcript NM_001384950.1 (MANE Select); 245 bases downstream of the stop codon, C replaced by T.
Molecular consequence: 3 prime UTR variant. On other transcripts: non-coding transcript variant (8).
Genome position (GRCh38, 1-based): chr16:57,082,773, C>T. VCF-style: chr16-57082773-C-T. GRCh37 (hg19) VCF-style: chr16-57116685-C-T.
Other names: c.*245C>T (NM_001330552.2, NM_001384951.1, NM_001384952.1 and 9 more transcripts).
Identifiers: ClinVar variation 103151 (VCV000103151.2), dbSNP rs199476024, ClinGen allele CA230193.
Genomic context (GRCh38, chr16:57,082,773, plus strand): 5'-GGGTCTGGACAAAGGAGTACCCTGCATTACGTGGGATATGTGTGATCAATTGGGGACATG[C>T]GACACACAATGAGGGTGTCATGACAATGCATGACACGTACGGTTATATGTGGCAGTGTGA-3'

ClinVar aggregate classification (germline): not provided (0 of 4 stars; one submission).

Allele frequency attached by ClinVar (database versions not stated): gnomAD exomes 0.00003; gnomAD 0.00018 and 0.00019; TOPMed 0.00019; 1000 Genomes Project 0.00020; 1000 Genomes Project 30x 0.00031.
gnomAD v4.1: 35 of 403,620 alleles (0.0087%); highest among the groups gnomAD compares: African/African-American, 0.063%; no homozygotes.

Submission:

Human Evolutionary Genetics, Institut Pasteur
No classification provided. Review status: no classification provided. Collection method: not provided. Allele origin: germline.
ClinVar note: Converted during submission from untested to not provided.